The following is an entry in ClinVar:

ClinVar aggregate classification (germline): Uncertain significance (1 of 4 stars; one submission).

gnomAD v4.1: 3 of 1,608,636 alleles (0.00019%); highest among the groups gnomAD compares: Admixed American, 0.005%; no homozygotes.

Submission:

GeneDx
Classification: Uncertain significance. Last evaluated: 2022-12-22. Review status: criteria provided, single submitter. Criteria: GeneDx Variant Classification Process June 2021. Collection method: clinical testing. Allele origin: germline. Affected: yes.
Comment: In silico analysis supports that this missense variant does not alter protein structure/function; Has not been previously published as pathogenic or benign to our knowledge

NM_207361.6(FREM2):c.38G>T (p.Arg13Leu)

Gene: FREM2 (FRAS1 related extracellular matrix 2; plus strand). Cytogenetic location: 13q13.3.
Variant type: single nucleotide variant.
Coding change: c.38G>T on transcript NM_207361.6 (MANE Select); coding-DNA position 38, G replaced by T.
Protein change: p.Arg13Leu; replaces arginine 13 with leucine.
Molecular consequence: missense variant.
Genome position (GRCh38, 1-based): chr13:38,687,382, G>T. VCF-style: chr13-38687382-G-T. GRCh37 (hg19) VCF-style: chr13-39261519-G-T.
Other names: short protein forms R13L.
Identifiers: ClinVar variation 2571709 (VCV002571709.1), dbSNP rs765718616, ClinGen allele CA6954132.